The following is an entry in ClinVar:

ClinVar aggregate classification (germline): Uncertain significance (1 of 4 stars; one submission).

gnomAD v4.1: 1 of 1,533,394 alleles (0.000065%); highest among the groups gnomAD compares: Admixed American, 0.002%; no homozygotes.

Submission:

Ambry Genetics
Classification: Uncertain significance. Last evaluated: 2024-09-06. Review status: criteria provided, single submitter. Criteria: Ambry Variant Classification Scheme 2023. Collection method: clinical testing. Allele origin: germline.
Comment: The p.A27S variant (also known as c.79G>T), located in coding exon 1 of the PRKDC gene, results from a G to T substitution at nucleotide position 79. The alanine at codon 27 is replaced by serine, an amino acid with similar properties. This amino acid position is conserved. In addition, this alteration is predicted to be tolerated by in silico analysis. Based on the available evidence, the clinical significance of this variant remains unclear.

NM_006904.7(PRKDC):c.79G>T (p.Ala27Ser)

Genes: PRKDC (protein kinase, DNA-activated, catalytic subunit; minus strand), LOC129929030 (ATAC-STARR-seq lymphoblastoid silent region 19177; plus strand). Cytogenetic location: 8q11.21.
Variant type: single nucleotide variant.
Coding change: c.79G>T on transcript NM_006904.7 (MANE Select); coding-DNA position 79, G replaced by T.
Protein change: p.Ala27Ser; replaces alanine 27 with serine.
Molecular consequence: missense variant.
Genome position (GRCh38, 1-based): chr8:47,960,048, C>A on the plus strand (G>T on the coding strand, the complement: PRKDC is on the minus strand). VCF-style: chr8-47960048-C-A. GRCh37 (hg19) VCF-style: chr8-48872608-C-A.
Other names: c.79G>T, p.Ala27Ser (NM_001081640.2); short protein forms A27S.
Identifiers: ClinVar variation 3425323 (VCV003425323.1).